The following is an entry in ClinVar:

NM_000138.5(FBN1):c.7258_7260del (p.Asn2420del)

Gene: FBN1 (fibrillin 1; minus strand). Cytogenetic location: 15q21.1.
Variant type: Deletion.
Coding change: c.7258_7260del on transcript NM_000138.5 (MANE Select); coding-DNA positions 7258 to 7260, 3 bases deleted (AAT; older notation c.7258_7260delAAT).
Protein change: p.Asn2420del; deletes asparagine 2420.
Molecular consequence: inframe deletion.
Genome position (GRCh38, 1-based): chr15:48,425,809-48,425,811, ATT deleted on the plus strand (AAT on the coding strand, the reverse complement: FBN1 is on the minus strand). VCF-style (leftmost placement, unchanged base first): chr15-48425808-CATT-C. GRCh37 (hg19) VCF-style: chr15-48718005-CATT-C.
Other names: c.7258_7260del, p.Asn2420del (NM_001406716.1); short protein forms N2420del.
Identifiers: ClinVar variation 3757591 (VCV003757591.3).

ClinVar aggregate classification (germline): Uncertain significance. Review status: criteria provided, multiple submitters, no conflicts (2 of 4 stars). 2 submissions from 2 submitters: Uncertain significance (2). Last evaluated 2024-08-08.

Conditions:
Marfan syndrome (MFS). Also called: MARFAN SYNDROME, TYPE I; Marfan syndrome type 1; Marfan's syndrome; Marfan syndrome, classic; FBN1-Related Marfan Syndrome. Identifiers: Orphanet 284963, Orphanet 558, MedGen C0024796, MONDO:0007947, OMIM 154700.
Familial thoracic aortic aneurysm and aortic dissection (TAAD). Also called: Thoracic aortic aneurysms and dissections. Identifiers: Orphanet 91387, MedGen C4707243, MONDO:0019625.

Submissions (2):

Labcorp Genetics (formerly Invitae), Labcorp
Classification: Uncertain significance for Marfan syndrome; Familial thoracic aortic aneurysm and aortic dissection. Last evaluated: 2024-08-08. Review status: criteria provided, single submitter. Criteria: Invitae Variant Classification Sherloc (09022015). Collection method: clinical testing. Allele origin: germline.
Comment: This variant, c.7258_7260del, results in the deletion of 1 amino acid(s) of the FBN1 protein (p.Asn2420del), but otherwise preserves the integrity of the reading frame. This variant is not present in population databases (gnomAD no frequency). This variant has been observed in individual(s) with FBN1-related conditions (Invitae). Experimental studies and prediction algorithms are not available or were not evaluated, and the functional significance of this variant is currently unknown. In summary, the available evidence is currently insufficient to determine the role of this variant in disease. Therefore, it has been classified as a Variant of Uncertain Significance.

Blueprint Genetics
Classification: Uncertain significance. Last evaluated: 2020-02-03. Review status: criteria provided, single submitter. Criteria: ACMG Guidelines, 2015. Collection method: clinical testing. Allele origin: germline.